The following is an entry in ClinVar:

ClinVar aggregate classification (germline): Uncertain significance. Review status: criteria provided, multiple submitters, no conflicts (2 of 4 stars). 3 submissions from 3 submitters: Uncertain significance (3). Last evaluated 2022-12-21.

Conditions:
Inborn genetic diseases. Identifiers: MedGen C0950123, MeSH D030342.

Allele frequency attached by ClinVar (database versions not stated): gnomAD exomes below 0.00001; gnomAD 0.00001; TOPMed 0.00001.
gnomAD v4.1: 6 of 1,607,184 alleles (0.00037%); highest among the groups gnomAD compares: Non-Finnish European, 0.00051%; no homozygotes.

Submissions (3):

Ambry Genetics
Classification: Uncertain significance for Inborn genetic diseases. Last evaluated: 2022-12-21. Review status: criteria provided, single submitter. Criteria: Ambry Variant Classification Scheme 2023. Collection method: clinical testing. Allele origin: germline.

Labcorp Genetics (formerly Invitae), Labcorp
Classification: Uncertain significance. Last evaluated: 2022-07-19. Review status: criteria provided, single submitter. Criteria: Invitae Variant Classification Sherloc (09022015). Collection method: clinical testing. Allele origin: germline.
Comment: Algorithms developed to predict the effect of missense changes on protein structure and function (SIFT, PolyPhen-2, Align-GVGD) all suggest that this variant is likely to be disruptive. In summary, the available evidence is currently insufficient to determine the role of this variant in disease. Therefore, it has been classified as a Variant of Uncertain Significance. ClinVar contains an entry for this variant (Variation ID: 1377626). This variant has not been reported in the literature in individuals affected with DRAM2-related conditions. This variant is not present in population databases (gnomAD no frequency). This sequence change replaces phenylalanine, which is neutral and non-polar, with serine, which is neutral and polar, at codon 129 of the DRAM2 protein (p.Phe129Ser).

Blueprint Genetics
Classification: Uncertain significance. Last evaluated: 2019-07-09. Review status: criteria provided, single submitter. Criteria: ACMG Guidelines, 2015. Collection method: clinical testing. Allele origin: germline.

NM_001349884.2(DRAM2):c.386T>C (p.Phe129Ser)

Gene: DRAM2 (DNA damage regulated autophagy modulator 2; minus strand). Cytogenetic location: 1p13.3.
Variant type: single nucleotide variant.
Coding change: c.386T>C on transcript NM_001349884.2 (MANE Select); coding-DNA position 386, T replaced by C.
Protein change: p.Phe129Ser; replaces phenylalanine 129 with serine.
Molecular consequence: missense variant. On other transcripts: 5 prime UTR variant (5), non-coding transcript variant (8).
Genome position (GRCh38, 1-based): chr1:111,120,647, A>G on the plus strand (T>C on the coding strand, the complement: DRAM2 is on the minus strand). VCF-style: chr1-111120647-A-G. GRCh37 (hg19) VCF-style: chr1-111663269-A-G.
Other names: c.386T>C (NM_178454.4); c.386T>C, p.Phe129Ser (NM_001349881.2, NM_001349882.2, NM_001349885.2 and 1 more transcripts); c.116T>C, p.Phe39Ser (NM_001349886.2, NM_001349887.2, NM_001349888.2); c.-5T>C (NM_001349889.2, NM_001349890.2, NM_001349891.2 and 2 more transcripts); short protein forms F39S, F129S.
Identifiers: ClinVar variation 1377626 (VCV001377626.10), dbSNP rs1387364883, ClinGen allele CA341819023.